The following is an entry in ClinVar:

NM_001267550.2(TTN):c.62733G>A (p.Trp20911Ter)

Genes: TTN (titin; minus strand), TTN-AS1 (TTN antisense RNA 1; plus strand). Cytogenetic location: 2q31.2.
Variant type: single nucleotide variant.
Coding change: c.62733G>A on transcript NM_001267550.2 (MANE Select); coding-DNA position 62733, G replaced by A.
Protein change: p.Trp20911Ter; replaces tryptophan 20911 with a stop codon.
Molecular consequence: nonsense.
Genome position (GRCh38, 1-based): chr2:178,588,992, C>T on the plus strand (G>A on the coding strand, the complement: TTN is on the minus strand). VCF-style: chr2-178588992-C-T. GRCh37 (hg19) VCF-style: chr2-179453719-C-T.
Other names: c.57810G>A, p.Trp19270Ter (NM_001256850.1); c.35538G>A, p.Trp11846Ter (NM_003319.4); c.55029G>A, p.Trp18343Ter (NM_133378.4); c.35913G>A, p.Trp11971Ter (NM_133432.3); c.36114G>A, p.Trp12038Ter (NM_133437.4); short protein forms W11971*, W12038*, W11846*, W19270*, W18343*, W20911*.
Identifiers: ClinVar variation 3463725 (VCV003463725.2).
Genomic context (GRCh38, chr2:178,588,992, plus strand): 5'-TCCTTCTATGAGACGTGTTACTGTAGTACCAGGTGTCAAGACAGTAGCAGAATAGGTAGA[C>T]CAAACCATTCGCTTTGTCTCACATTTTTCTAGAATATAATTTTGGATTTCACAGCCACCA-3'

ClinVar aggregate classification (germline): Pathogenic/Likely pathogenic. Review status: criteria provided, multiple submitters, no conflicts (2 of 4 stars). 2 submissions from 2 submitters: Pathogenic (1); Likely pathogenic (1). Last evaluated 2025-04-08.

Conditions:
Cardiovascular phenotype. Identifiers: MedGen CN230736.
Primary dilated cardiomyopathy (DCM). Also called: Dilated Cardiomyopathy. Identifiers: Orphanet 217604, MedGen C0007193, MeSH D002311, MONDO:0005021, HP:0001644. Inheritance: Various modes of inheritance.

gnomAD v4.1: 3 of 1,611,758 alleles (0.00019%); no homozygotes.

Submissions (2):

Clinical Genetics Laboratory, Skane University Hospital Lund
Classification: Likely pathogenic for Primary dilated cardiomyopathy. Last evaluated: 2025-04-08. Review status: criteria provided, single submitter. Criteria: ACMG Guidelines, 2015. Collection method: clinical testing. Allele origin: germline. Affected: yes.
Comment: PVS1 and PS4_moderate

Ambry Genetics
Classification: Pathogenic for Cardiovascular phenotype. Last evaluated: 2024-06-28. Review status: criteria provided, single submitter. Criteria: Ambry Variant Classification Scheme 2023. Collection method: clinical testing. Allele origin: germline.
Comment: The p.W11846* pathogenic mutation (also known as c.35538G>A), located in coding exon 131 of the TTN gene, results from a G to A substitution at nucleotide position 35538. This changes the amino acid from a tryptophan to a stop codon within coding exon 131. This exon is located in the A-band region of the N2-B isoform of the titin protein and is constitutively expressed in TTN transcripts (percent spliced in or PSI 100%). This variant (referred to as NM_001267550:c.62733G>A p.Trp20911*) has been detected in unrelated index cases from a dilated cardiomyopathy cohort (Akinrinade O et al. Eur Heart J, 2015 Sep;36:2327-37). This variant is considered to be rare based on population cohorts in the Genome Aggregation Database (gnomAD). This alteration is expected to result in loss of function by premature protein truncation or nonsense-mediated mRNA decay. While truncating variants in TTN are present in 1-3% of the general population, truncating variants in the A-band are the most common cause of dilated cardiomyopathy (DCM) (Herman DS et al. N. Engl. J. Med., 2012 Feb;366:619-28; Roberts AM et al. Sci Transl Med, 2015 Jan;7:270ra6). TTN truncating variants encoded in constitutive exons (PSI >90%) have been found to be significantly associated with DCM regardless of their position in titin (Schafer S et al. Nat. Genet., 2017 01;49:46-53). Based on the supporting evidence, this variant is interpreted as a disease-causing mutation.

Literature cited by the submitters: PubMed 26084686 (cited by Ambry Genetics).